The following is an entry in ClinVar:

NM_000038.6(APC):c.8172del (p.Phe2725fs)

Gene: APC (APC regulator of Wnt signaling pathway; plus strand). Cytogenetic location: 5q22.2.
Variant type: Deletion.
Coding change: c.8172del on transcript NM_000038.6 (MANE Select); coding-DNA position 8172, one base deleted (C; older notation c.8172delC).
Protein change: p.Phe2725fs; shifts the reading frame from phenylalanine 2725.
Molecular consequence: frameshift variant. On other transcripts: non-coding transcript variant (2).
Genome position (GRCh38, 1-based): chr5:112,843,766, C deleted; the last of 2 consecutive C bases (chr5:112,843,765-112,843,766); deleting either gives the same sequence. VCF-style (leftmost placement, unchanged base first): chr5-112843764-TC-T. GRCh37 (hg19) VCF-style: chr5-112179461-TC-T.
Other names: c.8172del, p.Phe2725fs (NM_001127510.3, NM_001354895.2, NM_001407450.1); c.8118del, p.Phe2707fs (NM_001127511.3); c.8226del, p.Phe2743fs (NM_001354896.2, NM_001407447.1, NM_001407448.1 and 1 more transcripts); c.8202del, p.Phe2735fs (NM_001354897.2); c.8097del, p.Phe2700fs (NM_001354898.2); c.8088del, p.Phe2697fs (NM_001354899.2); c.8049del, p.Phe2684fs (NM_001354900.2); c.7995del, p.Phe2666fs (NM_001354901.2, NM_001407453.1); and 11 more; short protein forms F2599fs, F2642fs, F2666fs, F2684fs, F2700fs, F2707fs, F2718fs, F2743fs.
Identifiers: ClinVar variation 4597378 (VCV004597378.1).

ClinVar aggregate classification (germline): Likely pathogenic (1 of 4 stars; one submission).

Conditions:
Hereditary cancer-predisposing syndrome. Also called: Neoplastic Syndromes, Hereditary; Tumor predisposition; Hereditary Cancer Syndrome; Hereditary neoplastic syndrome. Identifiers: Orphanet 140162, MedGen C0027672, MeSH D009386, MONDO:0015356.

Submission:

Ambry Genetics
Classification: Likely pathogenic for Hereditary cancer-predisposing syndrome. Last evaluated: 2025-10-16. Review status: criteria provided, single submitter. Criteria: Ambry Variant Classification Scheme 2023. Collection method: clinical testing. Allele origin: germline.
Comment: The c.8172delC (p.F2725Lfs*14) alteration, located in exon 16 (coding exon 15) of the APC gene, consists of a deletion of one nucleotide at position 8172, causing a translational frameshift with a predicted alternate stop codon after 14 amino acids. This variant is not expected to trigger nonsense-mediated mRNA decay, and impacts the last 3% of the protein. However, premature stop codons are typically deleterious in nature and the impacted region is critical for protein function (Ambry internal data). This variant was not reported in population-based cohorts in the Genome Aggregation Database (gnomAD). Based on the available evidence, this alteration is classified as likely pathogenic.